The following is an entry in ClinVar:

NM_000208.4(INSR):c.3164C>T (p.Ala1055Val)

Gene: INSR (insulin receptor; minus strand). Cytogenetic location: 19p13.2.
Variant type: single nucleotide variant.
Coding change: c.3164C>T on transcript NM_000208.4 (MANE Select); coding-DNA position 3164, C replaced by T.
Protein change: p.Ala1055Val; replaces alanine 1055 with valine.
Molecular consequence: missense variant.
Genome position (GRCh38, 1-based): chr19:7,125,377, G>A on the plus strand (C>T on the coding strand, the complement: INSR is on the minus strand). VCF-style: chr19-7125377-G-A. GRCh37 (hg19) VCF-style: chr19-7125388-G-A.
Other names: c.3128C>T, p.Ala1043Val (NM_001079817.3); c.3164C>T (NM_000208.2); short protein forms A1043V, A1055V.
Identifiers: ClinVar variation 812074 (VCV000812074.13), dbSNP rs1599874183, ClinGen allele CA403671167.
Genomic context (GRCh38, chr19:7,125,377, plus strand): 5'-GCCTCATTGAGGAACTCAATCCGCTCTCGGAGACTGGCTGACTCGTTGACCGTCTTCACC[G>A]CCACGCGGGTCTCTGCCTCACCCTTGATGATGTCCCTGGCATTGCCCTCATACACCATGC-3'
Protein context (NP_000199.2, residues 1045-1065): IIKGEAETRV[Ala1055Val]VKTVNESASL

ClinVar aggregate classification (germline): Likely pathogenic. Review status: criteria provided, multiple submitters, no conflicts (2 of 4 stars). 4 submissions from 4 submitters: Likely pathogenic (3). 1 of the submissions does not count toward it. Last evaluated 2024-03-18.

Conditions:
INSR-related disorder.

Submissions (4):

Blueprint Genetics
Classification: Likely pathogenic for INSR-related disorders. Last evaluated: 2024-03-18. Review status: criteria provided, single submitter. Criteria: ACMG Guidelines, 2015. Collection method: clinical testing. Allele origin: germline. Affected: yes. Observed: 2 variant alleles.

GeneDx
Classification: Likely pathogenic. Last evaluated: 2023-10-23. Review status: criteria provided, single submitter. Criteria: GeneDx Variant Classification Process June 2021. Collection method: clinical testing. Allele origin: germline. Affected: yes.
Comment: Published functional studies demonstrate a damaging effect, as A1055V reduces mature insulin receptor (PMID: 21869538); Not observed at significant frequency in large population cohorts (gnomAD); In silico analysis supports that this missense variant has a deleterious effect on protein structure/function; This variant is associated with the following publications: (PMID: 10733238, 21869538, 34789499)

ARUP Laboratories, Molecular Genetics and Genomics, ARUP Laboratories
Classification: Likely pathogenic. Last evaluated: 2019-08-28. Review status: criteria provided, single submitter. Criteria: ARUP Molecular Germline Variant Investigation Process. Collection method: clinical testing. Allele origin: germline.
Comment: The INSR c.3164C>T; p.Ala1055Val variant, also known in alternative nomenclature as p.Ala1028Val, is reported in the literature in several individuals affected with type A insulin resistance and Rabson-Mendenhall syndrome (Jiang 2011, Rique 2000). Parental testing of one affected individuals with this variant indicated it occurred de novo (Jiang 2011), while the other affected individual had relatives found to carry this variant who had high serum insulin levels (Rique 2000). This variant is absent from general population databases (Exome Variant Server, Genome Aggregation Database), indicating it is not a common polymorphism. Functional studies in cultured cells suggest that the p.Ala1055Val protein is poorly processed to its mature form and exhibits decreased signaling activity (Jiang 2011). Based on available information, this variant is considered to be likely pathogenic. References: Jiang S et al. Mendenhall syndrome - phenotypic heterogeneity of insulin receptor gene mutations. Endocr J. 2011;58(11):931-40. Rique S et al. Identification of three novel mutations in the insulin receptor gene in type A insulin resistant patients. Clin Genet. 2000 Jan;57(1):67-9.

Genetic Services Laboratory, University of Chicago
Classification: Likely pathogenic. Last evaluated: 2022-02-18. Review status: no assertion criteria provided. Collection method: clinical testing. Allele origin: germline. Affected: yes. Not counted in ClinVar's aggregate classification.
Comment: DNA sequence analysis of the INSR gene demonstrated a sequence change, c.3164C>T, in exon 17 that results in an amino acid change, p.Ala1055Val. The p.Ala1055Val change affects a highly conserved amino acid residue located in a domain of the INSR protein that is known to be functional. In-silico pathogenicity prediction tools (SIFT, PolyPhen2, Align GVGD, REVEL) provide contradictory results for the p.Ala1055Val substitution. Experimental studies have demonstrated that this sequence change impacts the function of the INSR protein (PMID: 21869538). This sequence change has been described in the literature in the heterozygous and compound heterozygous state in individuals with INSR-related disorders (PMID: 10733238, 21869538, 34789499). This sequence change has not been described in population databases such as ExAC and gnomAD. Collectively, these evidences indicate this sequence change is likely pathogenic, however, clinical correlation is recommended.